The following is an entry in ClinVar:

NM_014795.4(ZEB2):c.925C>T (p.Pro309Ser)

Gene: ZEB2 (zinc finger E-box binding homeobox 2; minus strand). Cytogenetic location: 2q22.3.
Variant type: single nucleotide variant.
Coding change: c.925C>T on transcript NM_014795.4 (MANE Select); coding-DNA position 925, C replaced by T.
Protein change: p.Pro309Ser; replaces proline 309 with serine.
Molecular consequence: missense variant.
Genome position (GRCh38, 1-based): chr2:144,400,262, G>A on the plus strand (C>T on the coding strand, the complement: ZEB2 is on the minus strand). VCF-style: chr2-144400262-G-A. GRCh37 (hg19) VCF-style: chr2-145157829-G-A.
Other names: c.853C>T, p.Pro285Ser (NM_001171653.2); short protein forms P309S, P285S.
Identifiers: ClinVar variation 426464 (VCV000426464.5), dbSNP rs1085307638, ClinGen allele CA348713411.
Genomic context (GRCh38, chr2:144,400,262, plus strand): 5'-TGTGCGAACTGTAGGAACCAGAATGGGAGAAACGTTTCTTGCAGTTTGGGCACTCGTAAG[G>A]TTTTTCACCTAAAATGATAATTAAAATTACCGTTACATTTCCTTGATTAGATAACAATTG-3'
Protein context (NP_055610.1, residues 299-319): EHLRIHSGEK[Pro309Ser]YECPNCKKRF

ClinVar aggregate classification (germline): Likely pathogenic (1 of 4 stars; one submission).

Submission:

GeneDx
Classification: Likely pathogenic. Last evaluated: 2025-12-16. Review status: criteria provided, single submitter. Criteria: GeneDx Variant Classification Process June 2021. Collection method: clinical testing. Allele origin: germline. Affected: yes.
Comment: Not observed at significant frequency in large population cohorts (gnomAD); In silico analysis supports that this missense variant has a deleterious effect on protein structure/function; Has not been previously published as pathogenic or benign to our knowledge